The following is an entry in ClinVar:

NM_001033046.4(CYBC1):c.127G>A (p.Asp43Asn)

Gene: CYBC1 (cytochrome b-245 chaperone 1; minus strand). Cytogenetic location: 17q25.3.
Variant type: single nucleotide variant.
Coding change: c.127G>A on transcript NM_001033046.4 (MANE Select); coding-DNA position 127, G replaced by A.
Protein change: p.Asp43Asn; replaces aspartic acid 43 with asparagine.
Molecular consequence: missense variant. On other transcripts: non-coding transcript variant (2), intron variant (1).
Genome position (GRCh38, 1-based): chr17:82,447,580, C>T on the plus strand (G>A on the coding strand, the complement: CYBC1 is on the minus strand). VCF-style: chr17-82447580-C-T. GRCh37 (hg19) VCF-style: chr17-80405456-C-T.
Other names: 127G-A; c.127G>A, p.Asp43Asn (NM_001100407.3, NM_001193653.2, NM_001193654.2 and 2 more transcripts); c.86-884G>A (NM_001100408.3); short protein forms D43N.
Identifiers: ClinVar variation 932314 (VCV000932314.9), dbSNP rs1166871048, ClinGen allele CA401609215.
Genomic context (GRCh38, chr17:82,447,580, plus strand): 5'-TTTCTCTGTTTTCCAAACAGCTGAGACAGTCATGGGGGGGTGGGGCGGGGGGTGCTTTAC[C>T]TCCGCTGTAGTAGGCAGCAGCCAGGCCAATCGACAAGATTCCTATGAAGAGAAAGTGACT-3'
Protein context (NP_001028218.1, residues 33-53): IGLAAAYYSG[Asp43Asn]SLGWKLFYVT

ClinVar aggregate classification (germline): Uncertain significance. Review status: criteria provided, multiple submitters, no conflicts (2 of 4 stars). 3 submissions from 3 submitters: Uncertain significance (2). 1 of the submissions does not count toward it. Last evaluated 2022-07-25.

Conditions:
Granulomatous disease, chronic, autosomal recessive, 5. Also called: GRANULOMATOUS DISEASE, CHRONIC, DUE TO CYBC1 DEFICIENCY. Identifiers: MedGen C5394542, MONDO:0030066, OMIM 618935.

Allele frequency attached by ClinVar (database versions not stated): gnomAD exomes below 0.00001; TOPMed below 0.00001; gnomAD 0.00001.

Submissions (3):

Blueprint Genetics
Classification: Uncertain significance. Last evaluated: 2022-07-25. Review status: criteria provided, single submitter. Criteria: ACMG Guidelines, 2015. Collection method: clinical testing. Allele origin: germline.

Labcorp Genetics (formerly Invitae), Labcorp
Classification: Uncertain significance. Last evaluated: 2021-04-08. Review status: criteria provided, single submitter. Criteria: Invitae Variant Classification Sherloc (09022015). Collection method: clinical testing. Allele origin: germline.
Comment: In summary, the available evidence is currently insufficient to determine the role of this variant in disease. Therefore, it has been classified as a Variant of Uncertain Significance. Nucleotide substitutions within the consensus splice site are a relatively common cause of aberrant splicing (PMID: 17576681, 9536098). Algorithms developed to predict the effect of sequence changes on RNA splicing suggest that this variant may disrupt the consensus splice site, but this prediction has not been confirmed by published transcriptional studies. Algorithms developed to predict the effect of missense changes on protein structure and function are either unavailable or do not agree on the potential impact of this missense change (SIFT: "Deleterious"; PolyPhen-2: "Possibly Damaging"; Align-GVGD: "Class C15"). This variant has been observed in individual(s) with chronic granulomatous disease (PMID: 28600779, 30312704). ClinVar contains an entry for this variant (Variation ID: 932314). This variant is not present in population databases (ExAC no frequency). This sequence change replaces aspartic acid with asparagine at codon 43 of the C17orf62 protein (p.Asp43Asn). The aspartic acid residue is highly conserved and there is a small physicochemical difference between aspartic acid and asparagine. This variant also falls at the last nucleotide of exon 3, which is part of the consensus splice site for this exon.

OMIM
Classification: Pathogenic for GRANULOMATOUS DISEASE, CHRONIC, AUTOSOMAL RECESSIVE, 5. Last evaluated: 2020-07-06. Review status: no assertion criteria provided. Collection method: literature only. Allele origin: germline. Not counted in ClinVar's aggregate classification.

Literature cited by the submitters: PubMed 17576681 (cited by Labcorp Genetics (formerly Invitae), Labcorp); PubMed 9536098 (cited by Labcorp Genetics (formerly Invitae), Labcorp); PubMed 28600779 (cited by Labcorp Genetics (formerly Invitae), Labcorp and OMIM); PubMed 30312704 (cited by Labcorp Genetics (formerly Invitae), Labcorp and OMIM).